The following is an entry in ClinVar:

ClinVar aggregate classification (germline): Uncertain significance. Review status: criteria provided, multiple submitters, no conflicts (2 of 4 stars). 2 submissions from 2 submitters: Uncertain significance (2). Last evaluated 2024-10-25.

Conditions:
Inborn genetic diseases. Identifiers: MedGen C0950123, MeSH D030342.

Allele frequency attached by ClinVar (database versions not stated): gnomAD exomes 0.00001; TOPMed 0.00001; ExAC 0.00002; ESP Exome Variant Server 0.00015.
gnomAD v4.1: 21 of 1,613,854 alleles (0.0013%); highest among the groups gnomAD compares: East Asian, 0.0045%; no homozygotes.

Submissions (2):

Labcorp Genetics (formerly Invitae), Labcorp
Classification: Uncertain significance. Last evaluated: 2024-10-25. Review status: criteria provided, single submitter. Criteria: Invitae Variant Classification Sherloc (09022015). Collection method: clinical testing. Allele origin: germline.
Comment: This sequence change replaces arginine, which is basic and polar, with cysteine, which is neutral and slightly polar, at codon 1224 of the DNAH9 protein (p.Arg1224Cys). This variant is present in population databases (rs373848905, gnomAD 0.004%). This variant has not been reported in the literature in individuals affected with DNAH9-related conditions. ClinVar contains an entry for this variant (Variation ID: 2177180). Invitae Evidence Modeling of protein sequence and biophysical properties (such as structural, functional, and spatial information, amino acid conservation, physicochemical variation, residue mobility, and thermodynamic stability) indicates that this missense variant is not expected to disrupt DNAH9 protein function with a negative predictive value of 80%. In summary, the available evidence is currently insufficient to determine the role of this variant in disease. Therefore, it has been classified as a Variant of Uncertain Significance.

Ambry Genetics
Classification: Uncertain significance for Inborn genetic diseases. Last evaluated: 2024-08-28. Review status: criteria provided, single submitter. Criteria: Ambry Variant Classification Scheme 2023. Collection method: clinical testing. Allele origin: germline.

NM_001372.4(DNAH9):c.3670C>T (p.Arg1224Cys)

Gene: DNAH9 (dynein axonemal heavy chain 9; plus strand). Cytogenetic location: 17p12.
Variant type: single nucleotide variant.
Coding change: c.3670C>T on transcript NM_001372.4 (MANE Select); coding-DNA position 3670, C replaced by T.
Protein change: p.Arg1224Cys; replaces arginine 1224 with cysteine.
Molecular consequence: missense variant.
Genome position (GRCh38, 1-based): chr17:11,680,816, C>T. VCF-style: chr17-11680816-C-T. GRCh37 (hg19) VCF-style: chr17-11584133-C-T.
Other names: c.3670C>T (NM_001372.3); short protein forms R1224C.
Identifiers: ClinVar variation 2177180 (VCV002177180.5), dbSNP rs373848905, ClinGen allele CA8395506.
Genomic context (GRCh38, chr17:11,680,816, plus strand): 5'-GTGGCCATTACTGTGAAGCAGCAGGTGGCCCCACTGCAGGCAAATGAAGTGACACTCCTC[C>T]GCCAGAGGTGCACAGCCTTCGATGCAGAACAGCAGCAATTCTGGGAGCAATTCCACAAAG-3'
Protein context (NP_001363.2, residues 1214-1234): PLQANEVTLL[Arg1224Cys]QRCTAFDAEQ